The following is an entry in ClinVar:

ClinVar aggregate classification (germline): Uncertain significance (1 of 4 stars; one submission).

gnomAD v4.1: 28 of 1,613,974 alleles (0.0017%); highest among the groups gnomAD compares: Non-Finnish European, 0.0023%; no homozygotes.

Submission:

Labcorp Genetics (formerly Invitae), Labcorp
Classification: Uncertain significance. Last evaluated: 2024-02-09. Review status: criteria provided, single submitter. Criteria: Invitae Variant Classification Sherloc (09022015). Collection method: clinical testing. Allele origin: germline.
Comment: This sequence change replaces serine, which is neutral and polar, with glycine, which is neutral and non-polar, at codon 184 of the THPO protein (p.Ser184Gly). This variant is present in population databases (rs149896952, gnomAD 0.0009%). This variant has not been reported in the literature in individuals affected with THPO-related conditions. Algorithms developed to predict the effect of missense changes on protein structure and function output the following: SIFT: "Not Available"; PolyPhen-2: "Benign"; Align-GVGD: "Not Available". The glycine amino acid residue is found in multiple mammalian species, which suggests that this missense change does not adversely affect protein function. In summary, the available evidence is currently insufficient to determine the role of this variant in disease. Therefore, it has been classified as a Variant of Uncertain Significance.

NM_000460.4(THPO):c.550A>G (p.Ser184Gly)

Gene: THPO (thrombopoietin; minus strand). Cytogenetic location: 3q27.1.
Variant type: single nucleotide variant.
Coding change: c.550A>G on transcript NM_000460.4 (MANE Select); coding-DNA position 550, A replaced by G.
Protein change: p.Ser184Gly; replaces serine 184 with glycine.
Molecular consequence: missense variant. On other transcripts: intron variant (2).
Genome position (GRCh38, 1-based): chr3:184,373,025, T>C on the plus strand (A>G on the coding strand, the complement: THPO is on the minus strand). VCF-style: chr3-184373025-T-C. GRCh37 (hg19) VCF-style: chr3-184090813-T-C.
Other names: c.538A>G, p.Ser180Gly (NM_001177597.2, NM_001290022.1); c.533A>G, p.Gln178Arg (NM_001177598.2, NM_001290026.1); c.550A>G, p.Ser184Gly (NM_001289998.1, NM_001290028.1); c.970A>G, p.Ser324Gly (NM_001290003.1); c.478-44A>G (NM_001290027.1, NM_001289997.1); short protein forms S180G, S184G, Q178R, S324G.
Identifiers: ClinVar variation 3705735 (VCV003705735.2).